The following is an entry in ClinVar:

NM_001004356.3(FGFRL1):c.1423T>C (p.Tyr475His)

Gene: FGFRL1 (fibroblast growth factor receptor like 1; plus strand). Cytogenetic location: 4p16.3.
Variant type: single nucleotide variant.
Coding change: c.1423T>C on transcript NM_001004356.3 (MANE Select); coding-DNA position 1423, T replaced by C.
Protein change: p.Tyr475His; replaces tyrosine 475 with histidine.
Molecular consequence: missense variant.
Genome position (GRCh38, 1-based): chr4:1,025,255, T>C. VCF-style: chr4-1025255-T-C. GRCh37 (hg19) VCF-style: chr4-1019043-T-C.
Other names: c.1423T>C, p.Tyr475His (NM_001004358.1, NM_001370296.1, NM_021923.3); short protein forms Y475H.
Identifiers: ClinVar variation 1355914 (VCV001355914.6), dbSNP rs375421159, ClinGen allele CA2803109.

ClinVar aggregate classification (germline): Uncertain significance (1 of 4 stars; one submission).

Allele frequency attached by ClinVar (database versions not stated): gnomAD 0.00001; ExAC 0.00002; gnomAD exomes 0.00002 and 0.00003; TOPMed 0.00002; ESP Exome Variant Server 0.00015.
gnomAD v4.1: 41 of 1,605,240 alleles (0.0026%); highest among the groups gnomAD compares: Non-Finnish European, 0.0034%; no homozygotes.

Submission:

Labcorp Genetics (formerly Invitae), Labcorp
Classification: Uncertain significance. Last evaluated: 2025-10-02. Review status: criteria provided, single submitter. Criteria: Invitae Variant Classification Sherloc (09022015). Collection method: clinical testing. Allele origin: germline.
Comment: This sequence change replaces tyrosine, which is neutral and polar, with histidine, which is basic and polar, at codon 475 of the FGFRL1 protein (p.Tyr475His). The frequency data for this variant in the population databases is considered unreliable, as metrics indicate poor data quality at this position in the gnomAD database. This variant has not been reported in the literature in individuals affected with FGFRL1-related conditions. ClinVar contains an entry for this variant (Variation ID: 1355914). An algorithm developed to predict the effect of missense changes on protein structure and function (PolyPhen-2) suggests that this variant is likely to be tolerated. In summary, the available evidence is currently insufficient to determine the role of this variant in disease. Therefore, it has been classified as a Variant of Uncertain Significance.